The following is an entry in ClinVar:

NM_001099857.5(IKBKG):c.671+2T>G

Gene: IKBKG (inhibitor of nuclear factor kappa B kinase regulatory subunit gamma; plus strand). Cytogenetic location: Xq28.
Variant type: single nucleotide variant.
Coding change: c.671+2T>G on transcript NM_001099857.5 (MANE Select); the canonical splice donor site of the intron after coding-DNA position 671, T replaced by G.
Molecular consequence: splice donor variant. On other transcripts: intron variant (3).
Genome position (GRCh38, 1-based): chrX:154,560,561, T>G. VCF-style: chrX-154560561-T-G. GRCh37 (hg19) VCF-style: chrX-153788776-T-G.
Other names: IVS5DS, T-G, +2; c.671+2T>G (NM_001377312.1, NM_001321396.3, NM_003639.4); c.668+2T>G (NM_001377313.1, NM_001321397.3); c.875+2T>G (NM_001099856.6); c.519-1127T>G (NM_001145255.4); c.516-1127T>G (NM_001377314.1); c.400-2249T>G (NM_001377315.1).
Identifiers: ClinVar variation 1687111 (VCV001687111.4), dbSNP rs2148382857, ClinGen allele CA415215135.
Genomic context (GRCh38, chrX:154,560,561, plus strand): 5'-CAGGGCCAGAGCGTGGAGGCCGCGCTCCGCATGGAGCGCCAGGCCGCCTCGGAGGAGAAG[T>G]GAGTCAGCGGGGGCGGGGCCGCACCGCAGGGTCTGTGGTTCTACACTTGATCTTAGCCGA-3'

ClinVar aggregate classification (germline): Pathogenic. Review status: criteria provided, single submitter (1 of 4 stars). 2 submissions from 2 submitters: Pathogenic (1). 1 of the submissions does not count toward it. Last evaluated 2025-03-04.

Conditions:
Autoinflammatory disease, X-linked. Also called: AUTOINFLAMMATORY DISEASE, SYSTEMIC, X-LINKED. Identifiers: Orphanet 699605, MedGen C5676885, MONDO:0800129, OMIM 301081.

Submissions (2):

GeneDx
Classification: Pathogenic. Last evaluated: 2025-03-04. Review status: criteria provided, single submitter. Criteria: GeneDx Variant Classification Process June 2021. Collection method: clinical testing. Allele origin: germline. Affected: yes.
Comment: RNA sequencing demonstrated aberrant splicing and in-frame skipping of exon 5 (PMID: 35289316); Canonical splice site variant predicted to result in an in-frame loss of the adjacent exon in a gene for which loss of function is a known mechanism of disease; No data available from control populations to assess the frequency of this variant; This variant is associated with the following publications: (PMID: 35289316, 31874111)

OMIM
Classification: Pathogenic for AUTOINFLAMMATORY DISEASE, SYSTEMIC, X-LINKED. Last evaluated: 2024-07-18. Review status: no assertion criteria provided. Collection method: literature only. Allele origin: germline. Not counted in ClinVar's aggregate classification.

Literature cited by the submitters: PubMed 31874111 (cited by OMIM); PubMed 35289316 (cited by OMIM).